The following is an entry in ClinVar:

NM_153026.3(PRICKLE1):c.2236C>T (p.Pro746Ser)

Gene: PRICKLE1 (prickle planar cell polarity protein 1; minus strand). Cytogenetic location: 12q12.
Variant type: single nucleotide variant.
Coding change: c.2236C>T on transcript NM_153026.3 (MANE Select); coding-DNA position 2236, C replaced by T.
Protein change: p.Pro746Ser; replaces proline 746 with serine.
Molecular consequence: missense variant.
Genome position (GRCh38, 1-based): chr12:42,460,069, G>A on the plus strand (C>T on the coding strand, the complement: PRICKLE1 is on the minus strand). VCF-style: chr12-42460069-G-A. GRCh37 (hg19) VCF-style: chr12-42853871-G-A.
Other names: p.P746S:CCA>TCA; c.2236C>T, p.Pro746Ser (NM_001144881.2, NM_001144882.2, NM_001144883.2); short protein forms P746S.
Identifiers: ClinVar variation 130026 (VCV000130026.29), dbSNP rs3827522, ClinGen allele CA154767.

ClinVar aggregate classification (germline): Benign/Likely benign. Review status: criteria provided, multiple submitters, no conflicts (2 of 4 stars). 9 submissions from 9 submitters: Benign (5); Likely benign (1). 3 of the submissions do not count toward it. Last evaluated 2026-02-03.

Conditions:
Epilepsy, progressive myoclonic, 1B. Also called: PME. Identifiers: Orphanet 308, MedGen C2676254, MONDO:0012904, OMIM 612437.

Allele frequency attached by ClinVar (database versions not stated): ESP Exome Variant Server 0.00161; gnomAD exomes 0.00528 and 0.01102; gnomAD 0.00701; ExAC 0.01014; TOPMed 0.01050; 1000 Genomes Project 0.02017; 1000 Genomes Project 30x 0.02124.
gnomAD v4.1: 8,769 of 1,614,082 alleles (0.54%); highest among the groups gnomAD compares: East Asian, 8%; 192 homozygotes.

Submissions (9):

Labcorp Genetics (formerly Invitae), Labcorp
Classification: Benign for Epilepsy, progressive myoclonic, 1B. Last evaluated: 2026-02-03. Review status: criteria provided, single submitter. Criteria: Invitae Variant Classification Sherloc (09022015). Collection method: clinical testing. Allele origin: germline.

Fulgent Genetics
Classification: Likely benign for Epilepsy, progressive myoclonic, 1B. Last evaluated: 2021-10-14. Review status: criteria provided, single submitter. Criteria: ACMG Guidelines, 2015. Collection method: clinical testing. Allele origin: unknown.

Ambry Genetics
Classification: Benign. Last evaluated: 2016-06-22. Review status: criteria provided, single submitter. Criteria: Ambry Variant Classification Scheme 2023. Collection method: clinical testing. Allele origin: germline.

Eurofins Ntd Llc (ga)
Classification: Benign. Last evaluated: 2014-07-02. Review status: criteria provided, single submitter. Criteria: EGL Classification Definitions 2015. Collection method: clinical testing. Allele origin: germline. Observed: 3 variant alleles, 3 heterozygotes.

GeneDx
Classification: Benign. Last evaluated: 2012-02-14. Review status: criteria provided, single submitter. Criteria: GeneDx Variant Classification (06012015). Collection method: clinical testing. Allele origin: germline. Affected: yes.
Comment: This variant is considered likely benign or benign based on one or more of the following criteria: it is a conservative change, it occurs at a poorly conserved position in the protein, it is predicted to be benign by multiple in silico algorithms, and/or has population frequency not consistent with disease.

Breakthrough Genomics
Classification: Benign. Review status: criteria provided, single submitter. Criteria: ACMG Guidelines, 2015. Collection method: not provided. Allele origin: germline. Inheritance: Autosomal recessive inheritance. Affected: yes.

Genetic Services Laboratory, University of Chicago
Classification: Likely benign for AllHighlyPenetrant. Review status: no assertion criteria provided. Collection method: clinical testing. Allele origin: germline. Inheritance: Autosomal recessive inheritance. Not counted in ClinVar's aggregate classification.
Comment: Likely benign based on allele frequency in 1000 Genomes Project or ESP global frequency and its presence in a patient with a rare or unrelated disease phenotype. NOT Sanger confirmed.

Genome Diagnostics Laboratory, University Medical Center Utrecht
Classification: Benign. Review status: no assertion criteria provided. Collection method: clinical testing. Allele origin: germline. Affected: yes. Study: VKGL Data-share Consensus. Not counted in ClinVar's aggregate classification.

Laboratory of Diagnostic Genome Analysis, Leiden University Medical Center (LUMC)
Classification: Likely benign. Review status: no assertion criteria provided. Collection method: clinical testing. Allele origin: germline. Affected: yes. Study: VKGL Data-share Consensus. Not counted in ClinVar's aggregate classification.